The following is an entry in ClinVar:

ClinVar aggregate classification (germline): Pathogenic (1 of 4 stars; one submission).

Submission:

GeneDx
Classification: Pathogenic. Last evaluated: 2013-06-10. Review status: criteria provided, single submitter. Criteria: GeneDx Variant Classification (06012015). Collection method: clinical testing. Allele origin: germline. Affected: yes.
Comment: L947X mutation in the RET gene is predicted to cause loss of normal protein function either through protein truncation or nonsense-mediated mRNA decay. Although this mutation has not been previously reported to our knowledge, loss of function mutations in the RET gene are associated with Hirschsprung disease. The normal sequence with the base that is deleted in braces is: GACC{C}TAGG. The variant is found in RET-HIR panel(s).

NM_020975.6(RET):c.2839del (p.Thr946_Leu947insTer)

Gene: RET (ret proto-oncogene; plus strand). Cytogenetic location: 10q11.21.
Variant type: Deletion.
Coding change: c.2839del on transcript NM_020975.6 (MANE Select); coding-DNA position 2839, one base deleted (C; older notation c.2839delC).
Protein change: p.Thr946_Leu947insTer.
Molecular consequence: nonsense. On other transcripts: frameshift variant (42).
Genome position (GRCh38, 1-based): chr10:43,123,708, C deleted; the last of 3 consecutive C bases (chr10:43,123,706-43,123,708); deleting any one gives the same sequence. VCF-style (leftmost placement, unchanged base first): chr10-43123705-AC-A. GRCh37 (hg19) VCF-style: chr10-43619153-AC-A.
Other names: c.2839delC, p.Leu947Terfs (NM_000323.2, NM_001406743.1, NM_001406744.1 and 4 more transcripts); c.2077delC, p.Leu693Terfs (NM_001355216.2); c.2710delC, p.Leu904Terfs (NM_001406761.1, NM_001406762.1, NM_001406764.1); c.2704delC, p.Leu902Terfs (NM_001406763.1, NM_001406765.1); c.2551delC, p.Leu851Terfs (NM_001406766.1, NM_001406767.1, NM_001406770.1); c.2575delC, p.Leu859Terfs (NM_001406768.1); c.2443delC, p.Leu815Terfs (NM_001406769.1, NM_001406772.1); c.2401delC, p.Leu801Terfs (NM_001406771.1, NM_001406773.1); and 10 more.
Identifiers: ClinVar variation 201140 (VCV000201140.3), dbSNP rs794728691, ClinGen allele CA009114.